The following is an entry in ClinVar:

NM_001423532.1(FAM90A20):c.706A>G (p.Ser236Gly)

Gene: FAM90A20 (family with sequence similarity 90 member A20). Cytogenetic location: 8p23.1.
Variant type: single nucleotide variant.
Coding change: c.706A>G on transcript NM_001423532.1 (MANE Select); coding-DNA position 706, A replaced by G.
Protein change: p.Ser236Gly; replaces serine 236 with glycine.
Molecular consequence: missense variant.
Genome position (GRCh38, 1-based): chr8:7,297,335, A>G. VCF-style: chr8-7297335-A-G. GRCh37 (hg19) VCF-style: chr8-7154857-A-G.
Other names: short protein forms S236G.
Identifiers: ClinVar variation 4084094 (VCV004084094.8).
Genomic context (GRCh38, chr8:7,297,335, plus strand): 5'-AGGCACCAGGTCCACGAGACTCTCCTCGTGGTGGAGCCGACACACAGCAGCCCTGAGGGT[A>G]GCTGCCGAGAAGTTCCCCAGGCTGCCTCCAAAACCCACGGCCTGCTCCAGGCCGTCAGAA-3'
Protein context (NP_001410461.1, residues 226-246): VEPTHSSPEG[Ser236Gly]CREVPQAASK

ClinVar aggregate classification (germline): Likely benign (1 of 4 stars; one submission).

gnomAD v4.1: 1,215 of 1,361,230 alleles (0.089%); highest among the groups gnomAD compares: South Asian, 0.64%; 233 homozygotes.

Submission:

CeGaT Center for Human Genetics Tuebingen
Classification: Likely benign. Last evaluated: 2025-07-01. Review status: criteria provided, single submitter. Criteria: CeGaT Center For Human Genetics Tuebingen Variant Classification Criteria Version 2. Collection method: clinical testing. Allele origin: germline. Affected: yes. Observed: 1 variant allele.
Comment: FAM90A20: BS2